The following is an entry in ClinVar:

NM_024854.5(PYROXD1):c.711A>C (p.Pro237=)

Gene: PYROXD1 (pyridine nucleotide-disulphide oxidoreductase domain 1; plus strand). Cytogenetic location: 12p12.1.
Variant type: single nucleotide variant.
Coding change: c.711A>C on transcript NM_024854.5 (MANE Select); coding-DNA position 711, A replaced by C.
Protein change: p.Pro237=; no amino-acid change (proline 237 retained).
Molecular consequence: synonymous variant. On other transcripts: 5 prime UTR variant (1).
Genome position (GRCh38, 1-based): chr12:21,456,056, A>C. VCF-style: chr12-21456056-A-C. GRCh37 (hg19) VCF-style: chr12-21608990-A-C.
Other names: c.498A>C, p.Pro166= (NM_001350912.2); c.-67A>C (NM_001350913.2); c.711A>C (NM_024854.3).
Identifiers: ClinVar variation 2185849 (VCV002185849.6), dbSNP rs761284828, ClinGen allele CA6478299.

ClinVar aggregate classification (germline): Likely benign. Review status: criteria provided, single submitter (1 of 4 stars). 2 submissions from 2 submitters: Likely benign (1). 1 of the submissions does not count toward it. Last evaluated 2022-09-02.

Conditions:
PYROXD1-related disorder. Also called: PYROXD1-related condition.

Allele frequency attached by ClinVar (database versions not stated): ExAC 0.00001; gnomAD exomes 0.00001; gnomAD 0.00002; TOPMed 0.00002.
gnomAD v4.1: 21 of 1,611,512 alleles (0.0013%); highest among the groups gnomAD compares: Admixed American, 0.0017%; no homozygotes.

Submissions (2):

Labcorp Genetics (formerly Invitae), Labcorp
Classification: Likely benign. Last evaluated: 2022-09-02. Review status: criteria provided, single submitter. Criteria: Invitae Variant Classification Sherloc (09022015). Collection method: clinical testing. Allele origin: germline.

PreventionGenetics, part of Exact Sciences
Classification: Likely benign for PYROXD1-related condition. Last evaluated: 2019-12-07. Review status: no assertion criteria provided. Collection method: clinical testing. Allele origin: germline. Not counted in ClinVar's aggregate classification.
Comment: This variant is classified as likely benign based on ACMG/AMP sequence variant interpretation guidelines (Richards et al. 2015 PMID: 25741868, with internal and published modifications).